The following is an entry in ClinVar:

ClinVar aggregate classification (germline): Likely benign. Review status: criteria provided, multiple submitters, no conflicts (2 of 4 stars). 2 submissions from 2 submitters: Likely benign (2). Last evaluated 2026-03-01.

gnomAD v4.1: 903 of 1,613,926 alleles (0.056%); highest among the groups gnomAD compares: African/African-American, 1%; 5 homozygotes.

Submissions (2):

CeGaT Center for Human Genetics Tuebingen
Classification: Likely benign. Last evaluated: 2026-03-01. Review status: criteria provided, single submitter. Criteria: CeGaT Center For Human Genetics Tuebingen Variant Classification Criteria Version 2. Collection method: clinical testing. Allele origin: germline. Affected: yes. Observed: 1 variant allele.
Comment: MAPKAPK5: BP4, BP7, BS1

Blueprint Genetics
Classification: Likely benign. Last evaluated: 2024-11-12. Review status: criteria provided, single submitter. Criteria: ACMG Guidelines, 2015. Collection method: clinical testing. Allele origin: germline.

NM_003668.4(MAPKAPK5):c.705G>T (p.Leu235=)

Gene: MAPKAPK5 (MAPK activated protein kinase 5; plus strand). Cytogenetic location: 12q24.12.
Variant type: single nucleotide variant.
Coding change: c.705G>T on transcript NM_003668.4 (MANE Select); coding-DNA position 705, G replaced by T.
Protein change: p.Leu235=; no amino-acid change (leucine 235 retained).
Molecular consequence: synonymous variant.
Genome position (GRCh38, 1-based): chr12:111,883,625, G>T. VCF-style: chr12-111883625-G-T. GRCh37 (hg19) VCF-style: chr12-112321429-G-T.
Other names: c.705G>T, p.Leu235= (NM_001371479.1, NM_001371480.1, NM_139078.3); c.624G>T, p.Leu208= (NM_001371481.1); c.615G>T, p.Leu205= (NM_001371482.1, NM_001371483.1); c.603G>T, p.Leu201= (NM_001371484.1); c.498G>T, p.Leu166= (NM_001371485.1, NM_001371486.1); c.408G>T, p.Leu136= (NM_001371487.1).
Identifiers: ClinVar variation 4821482 (VCV004821482.5).